The following is an entry in ClinVar:

ClinVar aggregate classification (germline): Benign/Likely benign. Review status: criteria provided, multiple submitters, no conflicts (2 of 4 stars). 2 submissions from 2 submitters: Benign (1); Likely benign (1). Last evaluated 2025-04-09.

Conditions:
Tuberous sclerosis 1 (TSC1). Identifiers: Orphanet 805, MedGen C1854465, MONDO:0008612, OMIM 191100.

Submissions (2):

Myriad Genetics, Inc.
Classification: Benign for Tuberous sclerosis 1. Last evaluated: 2025-04-09. Review status: criteria provided, single submitter. Criteria: Myriad Autosomal Dominant, Autosomal Recessive and X-Linked Classification Criteria (2023). Collection method: clinical testing. Allele origin: unknown.
Comment: This variant is considered benign. This variant is a silent/synonymous amino acid change and it is not expected to impact splicing.

Labcorp Genetics (formerly Invitae), Labcorp
Classification: Likely benign for Tuberous sclerosis 1. Last evaluated: 2022-08-24. Review status: criteria provided, single submitter. Criteria: Invitae Variant Classification Sherloc (09022015). Collection method: clinical testing. Allele origin: germline.

NM_000368.5(TSC1):c.1329A>T (p.Gly443=)

Gene: TSC1 (TSC complex subunit 1; minus strand). Cytogenetic location: 9q34.13.
Variant type: single nucleotide variant.
Coding change: c.1329A>T on transcript NM_000368.5 (MANE Select); coding-DNA position 1329, A replaced by T.
Protein change: p.Gly443=; no amino-acid change (glycine 443 retained).
Molecular consequence: synonymous variant. On other transcripts: non-coding transcript variant (5).
Genome position (GRCh38, 1-based): chr9:132,907,305, T>A on the plus strand (A>T on the coding strand, the complement: TSC1 is on the minus strand). VCF-style: chr9-132907305-T-A. GRCh37 (hg19) VCF-style: chr9-135782692-T-A.
Other names: c.1326A>T, p.Gly442= (NM_001162426.2, NM_001406597.1, NM_001406598.1 and 6 more transcripts); c.1176A>T, p.Gly392= (NM_001162427.2, NM_001406610.1); c.966A>T, p.Gly322= (NM_001362177.2, NM_001406614.1, NM_001406615.1 and 5 more transcripts); c.1329A>T, p.Gly443= (NM_001406592.1, NM_001406593.1, NM_001406594.1 and 7 more transcripts); c.1173A>T, p.Gly391= (NM_001406611.1, NM_001406612.1, NM_001406613.1); c.963A>T, p.Gly321= (NM_001406620.1, NM_001406621.1, NM_001406622.1 and 2 more transcripts); c.378A>T, p.Gly126= (NM_001406626.1); c.375A>T, p.Gly125= (NM_001406627.1, NM_001406628.1); and 1 more.
Identifiers: ClinVar variation 2099263 (VCV002099263.5), dbSNP rs2131878742, ClinGen allele CA467592077.